The following is an entry in ClinVar:

ClinVar aggregate classification (germline): Uncertain significance (1 of 4 stars; one submission).

Conditions:
Autosomal recessive limb-girdle muscular dystrophy type 2A (LGMDR1). Also called: Muscular dystrophy, limb-girdle, type 2A, Amish; Calpainopathy; LEYDEN-MOEBIUS MUSCULAR DYSTROPHY; MUSCULAR DYSTROPHY, PELVOFEMORAL; Limb-girdle muscular dystrophy, type 2A. Identifiers: Orphanet 267, MedGen C1869123, MONDO:0009675, OMIM 253600. Disease mechanism: loss of function.

Submission:

Labcorp Genetics (formerly Invitae), Labcorp
Classification: Uncertain significance for Autosomal recessive limb-girdle muscular dystrophy type 2A. Last evaluated: 2024-06-13. Review status: criteria provided, single submitter. Criteria: Invitae Variant Classification Sherloc (09022015). Collection method: clinical testing. Allele origin: germline.
Comment: This sequence change replaces glycine, which is neutral and non-polar, with arginine, which is basic and polar, at codon 340 of the CAPN3 protein (p.Gly340Arg). This variant is not present in population databases (gnomAD no frequency). This variant has not been reported in the literature in individuals affected with CAPN3-related conditions. Advanced modeling of protein sequence and biophysical properties (such as structural, functional, and spatial information, amino acid conservation, physicochemical variation, residue mobility, and thermodynamic stability) performed at Invitae indicates that this missense variant is not expected to disrupt CAPN3 protein function with a negative predictive value of 80%. In summary, the available evidence is currently insufficient to determine the role of this variant in disease. Therefore, it has been classified as a Variant of Uncertain Significance.

NM_000070.3(CAPN3):c.1018G>C (p.Gly340Arg)

Gene: CAPN3 (calpain 3; plus strand). Cytogenetic location: 15q15.1.
Variant type: single nucleotide variant.
Coding change: c.1018G>C on transcript NM_000070.3 (MANE Select); coding-DNA position 1018, G replaced by C.
Protein change: p.Gly340Arg; replaces glycine 340 with arginine.
Molecular consequence: missense variant.
Genome position (GRCh38, 1-based): chr15:42,392,711, G>C. VCF-style: chr15-42392711-G-C. GRCh37 (hg19) VCF-style: chr15-42684909-G-C.
Other names: c.1018G>C, p.Gly340Arg (NM_024344.2); c.874G>C, p.Gly292Arg (NM_173087.2); short protein forms G292R, G340R.
Identifiers: ClinVar variation 3606999 (VCV003606999.2).